The following is an entry in ClinVar:

NM_001122752.2(SERPINI1):c.208A>G (p.Lys70Glu)

Gene: SERPINI1 (serpin family I member 1; plus strand). Cytogenetic location: 3q26.1.
Variant type: single nucleotide variant.
Coding change: c.208A>G on transcript NM_001122752.2 (MANE Select); coding-DNA position 208, A replaced by G.
Protein change: p.Lys70Glu; replaces lysine 70 with glutamic acid.
Molecular consequence: missense variant.
Genome position (GRCh38, 1-based): chr3:167,789,336, A>G. VCF-style: chr3-167789336-A-G. GRCh37 (hg19) VCF-style: chr3-167507124-A-G.
Other names: p.Lys70Glu; c.208A>G, p.Lys70Glu (NM_005025.5); short protein forms K70E.
Identifiers: ClinVar variation 466613 (VCV000466613.23), dbSNP rs11547811, ClinGen allele CA2694746.

ClinVar aggregate classification (germline): Benign/Likely benign. Review status: criteria provided, multiple submitters, no conflicts (2 of 4 stars). 5 submissions from 5 submitters: Benign (1); Likely benign (3). 1 of the submissions does not count toward it. Last evaluated 2026-02-03.

Conditions:
SERPINI1-related disorder. Also called: SERPINI1-related condition.
Familial encephalopathy with neuroserpin inclusion bodies. Also called: ENCEPHALOPATHY, FAMILIAL, WITH COLLINS BODIES. Identifiers: Orphanet 85110, MedGen C1858680, MONDO:0011412, OMIM 604218.

Allele frequency attached by ClinVar (database versions not stated): gnomAD exomes 0.00008 and 0.00025; ExAC 0.00026; gnomAD 0.00074 and 0.00078; TOPMed 0.00074; 1000 Genomes Project 0.00100; ESP Exome Variant Server 0.00108; 1000 Genomes Project 30x 0.00125.
gnomAD v4.1: 235 of 1,614,196 alleles (0.015%); highest among the groups gnomAD compares: African/African-American, 0.21%; 1 homozygote.

Submissions (5):

Labcorp Genetics (formerly Invitae), Labcorp
Classification: Likely benign for Familial encephalopathy with neuroserpin inclusion bodies. Last evaluated: 2026-02-03. Review status: criteria provided, single submitter. Criteria: Invitae Variant Classification Sherloc (09022015). Collection method: clinical testing. Allele origin: germline.

Mayo Clinic Laboratories, Mayo Clinic
Classification: Likely benign. Last evaluated: 2025-11-07. Review status: criteria provided, single submitter. Criteria: ACMG Guidelines, 2015. Collection method: clinical testing. Allele origin: germline. Observed: 1 variant allele.
Comment: BS2, BP4

CeGaT Center for Human Genetics Tuebingen
Classification: Likely benign. Last evaluated: 2025-10-01. Review status: criteria provided, single submitter. Criteria: CeGaT Center For Human Genetics Tuebingen Variant Classification Criteria Version 2. Collection method: clinical testing. Allele origin: germline. Affected: yes. Observed: 1 variant allele.
Comment: SERPINI1: BP4, BS1

Illumina Laboratory Services, Illumina
Classification: Benign for Familial encephalopathy with neuroserpin inclusion bodies. Last evaluated: 2018-01-13. Review status: criteria provided, single submitter. Criteria: ICSL Variant Classification Criteria 13 December 2019. Collection method: clinical testing. Allele origin: germline.
Comment: This variant was observed in the ICSL laboratory as part of a predisposition screen in an ostensibly healthy population. It had not been previously curated by ICSL or reported in the Human Gene Mutation Database (HGMD: prior to June 1st, 2018), and was therefore a candidate for classification through an automated scoring system. Utilizing variant allele frequency, disease prevalence and penetrance estimates, and inheritance mode, an automated score was calculated to assess if this variant is too frequent to cause the disease. Based on the score and internal cut-off values, a variant classified as benign is not then subjected to further curation. The score for this variant resulted in a classification of benign for this disease.

PreventionGenetics, part of Exact Sciences
Classification: Likely benign for SERPINI1-related condition. Last evaluated: 2024-06-06. Review status: no assertion criteria provided. Collection method: clinical testing. Allele origin: germline. Not counted in ClinVar's aggregate classification.
Comment: This variant is classified as likely benign based on ACMG/AMP sequence variant interpretation guidelines (Richards et al. 2015 PMID: 25741868, with internal and published modifications).